The following is an entry in ClinVar:

ClinVar aggregate classification (germline): Conflicting classifications of pathogenicity. Review status: criteria provided, conflicting classifications (1 of 4 stars). 8 submissions from 8 submitters: Uncertain significance (7); Likely benign (1). Last evaluated 2025-07-03.

Conditions:
Dilated cardiomyopathy 1G (CMD1G). Identifiers: Orphanet 154, MedGen C1858763, MONDO:0011400, OMIM 604145.
Autosomal recessive limb-girdle muscular dystrophy type 2J (LGMDR10). Also called: Limb-girdle muscular dystrophy, type 2J; MUSCULAR DYSTROPHY, LIMB-GIRDLE, AUTOSOMAL RECESSIVE 10. Identifiers: Orphanet 140922, MedGen C1837342, MONDO:0012127, OMIM 608807.
TTN-related disorder. Also called: TTN-related disorders; TTN-related condition; TTN-related disease.
Early-onset myopathy with fatal cardiomyopathy (CMYO5). Also called: Salih Myopathy; CONGENITAL MYOPATHY 5 WITH CARDIOMYOPATHY. Identifiers: Orphanet 289377, MedGen C2673677, MONDO:0012714, OMIM 611705. Disease mechanism: loss of function.
Tibial muscular dystrophy (TMD). Also called: UDD MYOPATHY; Tibial muscular dystrophy, tardive; Udd Distal Myopathy – Tibial Muscular Dystrophy. Identifiers: Orphanet 609, MedGen C1838244, MONDO:0010870, OMIM 600334.
Myopathy, myofibrillar, 9, with early respiratory failure (MFM9). Also called: Hereditary myopathy with early respiratory failure; MYOPATHY, PROXIMAL, WITH EARLY RESPIRATORY MUSCLE INVOLVEMENT; Myopathy, distal, with early respiratory failure, autosomal dominant; EDSTROM MYOPATHY. Identifiers: Orphanet 178464, Orphanet 34521, MedGen C1863599, MONDO:0011362, OMIM 603689.
Hypertrophic cardiomyopathy 9. Also called: Familial hypertrophic cardiomyopathy 9. Identifiers: MedGen C1861065, MONDO:0013412, OMIM 613765.

Allele frequency attached by ClinVar (database versions not stated): gnomAD 0.00004 and 0.00005; gnomAD exomes 0.00004 and 0.00006; ExAC 0.00005; TOPMed 0.00005.
gnomAD v4.1: 105 of 1,613,586 alleles (0.0065%); highest among the groups gnomAD compares: Non-Finnish European, 0.0081%; no homozygotes.

Submissions (8):

PreventionGenetics, part of Exact Sciences
Classification: Uncertain significance for TTN-related condition. Last evaluated: 2025-07-03. Review status: criteria provided, single submitter. Criteria: ACMG Guidelines, 2015. Collection method: clinical testing. Allele origin: germline.
Comment: The TTN c.105608T>C variant is predicted to result in the amino acid substitution p.Val35203Ala. To our knowledge, this variant has not been reported in the literature. This variant is reported in 0.0094% of alleles in individuals of European (Non-Finnish) descent in gnomAD. At this time, the clinical significance of this variant is uncertain due to the absence of conclusive functional and genetic evidence.

Mayo Clinic Laboratories, Mayo Clinic
Classification: Uncertain significance. Last evaluated: 2024-07-01. Review status: criteria provided, single submitter. Criteria: ACMG Guidelines, 2015. Collection method: clinical testing. Allele origin: germline. Observed: 1 variant allele.

CeGaT Center for Human Genetics Tuebingen
Classification: Uncertain significance. Last evaluated: 2024-02-01. Review status: criteria provided, single submitter. Criteria: CeGaT Center For Human Genetics Tuebingen Variant Classification Criteria Version 2. Collection method: clinical testing. Allele origin: germline. Affected: yes. Observed: 2 variant alleles.
Comment: TTN: PM2, BP4

Department of Pathology and Laboratory Medicine, Sinai Health System
Classification: Uncertain significance for Tibial muscular dystrophy; Myopathy, myofibrillar, 9, with early respiratory failure; Dilated cardiomyopathy 1G; Autosomal recessive limb-girdle muscular dystrophy type 2J; Early-onset myopathy with fatal cardiomyopathy; Hypertrophic cardiomyopathy 9. Last evaluated: 2022-01-28. Review status: criteria provided, single submitter. Criteria: ACMG Guidelines, 2015. Collection method: research. Allele origin: germline.

Revvity Omics, Revvity
Classification: Uncertain significance. Last evaluated: 2021-03-09. Review status: criteria provided, single submitter. Criteria: ACMG Guidelines, 2015. Collection method: clinical testing. Allele origin: germline.

GeneDx
Classification: Likely benign. Last evaluated: 2020-09-15. Review status: criteria provided, single submitter. Criteria: GeneDx Variant Classification Process June 2021. Collection method: clinical testing. Allele origin: germline. Affected: yes.

Labcorp Genetics (formerly Invitae), Labcorp
Classification: Uncertain significance for Dilated cardiomyopathy 1G; Autosomal recessive limb-girdle muscular dystrophy type 2J. Last evaluated: 2017-09-15. Review status: criteria provided, single submitter. Criteria: Invitae Variant Classification Sherloc (09022015). Collection method: clinical testing. Allele origin: germline.

Eurofins Ntd Llc (ga)
Classification: Uncertain significance. Last evaluated: 2016-12-07. Review status: criteria provided, single submitter. Criteria: EGL Classification Definitions 2015. Collection method: clinical testing. Allele origin: germline. Observed: 1 variant allele, 1 heterozygote.

NM_001267550.2(TTN):c.105608T>C (p.Val35203Ala)

Genes: TTN (titin; minus strand), TTN-AS1 (TTN antisense RNA 1; plus strand), LOC129935183 (ATAC-STARR-seq lymphoblastoid active region 16808; plus strand). Cytogenetic location: 2q31.2.
Variant type: single nucleotide variant.
Coding change: c.105608T>C on transcript NM_001267550.2 (MANE Select); coding-DNA position 105608, T replaced by C.
Protein change: p.Val35203Ala; replaces valine 35203 with alanine.
Molecular consequence: missense variant.
Genome position (GRCh38, 1-based): chr2:178,531,007, A>G on the plus strand (T>C on the coding strand, the complement: TTN is on the minus strand). VCF-style: chr2-178531007-A-G. GRCh37 (hg19) VCF-style: chr2-179395734-A-G.
Other names: p.Val32635Ala; c.100685T>C, p.Val33562Ala (NM_001256850.1); c.78413T>C, p.Val26138Ala (NM_003319.4); c.97904T>C, p.Val32635Ala (NM_133378.4); c.78788T>C, p.Val26263Ala (NM_133432.3); c.78989T>C, p.Val26330Ala (NM_133437.4); short protein forms V35203A, V32635A, V26330A, V26138A, V26263A, V33562A.
Identifiers: ClinVar variation 466741 (VCV000466741.48), dbSNP rs771136390, ClinGen allele CA1985231.